The following is an entry in ClinVar:

NM_144585.4(SLC22A12):c.246C>T (p.Asn82=)

Gene: SLC22A12 (solute carrier family 22 member 12; plus strand). Cytogenetic location: 11q13.1.
Variant type: single nucleotide variant.
Coding change: c.246C>T on transcript NM_144585.4 (MANE Select); coding-DNA position 246, C replaced by T.
Protein change: p.Asn82=; no amino-acid change (asparagine 82 retained).
Molecular consequence: synonymous variant. On other transcripts: 5 prime UTR variant (1).
Genome position (GRCh38, 1-based): chr11:64,591,802, C>T. VCF-style: chr11-64591802-C-T. GRCh37 (hg19) VCF-style: chr11-64359274-C-T.
Other names: p.Asn82Asn; p.Asn82=; c.246C>T, p.Asn82= (NM_001276326.2, NM_001276327.2); c.-263C>T (NM_153378.3).
Identifiers: ClinVar variation 305229 (VCV000305229.22), dbSNP rs3825017, ClinGen allele CA6077009.
Genomic context (GRCh38, chr11:64,591,802, plus strand): 5'-CATCCTAGGGAGCTTGAGTCCTGAGGCCCTCCTGGCTATTTCCATCCCGCCGGGCCCCAA[C>T]CAGAGGCCCCACCAGTGCCGCCGCTTCCGCCAGCCACAGTGGCAGCTCTTGGACCCCAAT-3'
Protein context (NP_653186.2, residues 72-92): LLAISIPPGP[Asn82=]QRPHQCRRFR

ClinVar aggregate classification (germline): Benign/Likely benign. Review status: criteria provided, multiple submitters, no conflicts (2 of 4 stars). 6 submissions from 6 submitters: Benign (5); Likely benign (1). Last evaluated 2026-02-04.

Allele frequency attached by ClinVar (database versions not stated): ESP Exome Variant Server 0.00331; gnomAD 0.01615 and 0.01943; TOPMed 0.02261; ExAC 0.03234; 1000 Genomes Project 30x 0.06699; 1000 Genomes Project 0.07069.

Submissions (6):

Labcorp Genetics (formerly Invitae), Labcorp
Classification: Benign. Last evaluated: 2026-02-04. Review status: criteria provided, single submitter. Criteria: Invitae Variant Classification Sherloc (09022015). Collection method: clinical testing. Allele origin: germline.

Blueprint Genetics
Classification: Likely benign. Last evaluated: 2024-11-27. Review status: criteria provided, single submitter. Criteria: ACMG Guidelines, 2015. Collection method: clinical testing. Allele origin: germline.

Mayo Clinic Laboratories, Mayo Clinic
Classification: Benign. Last evaluated: 2022-03-09. Review status: criteria provided, single submitter. Criteria: ACMG Guidelines, 2015. Collection method: clinical testing. Allele origin: germline. Observed: 4 variant alleles.

GeneDx
Classification: Benign. Last evaluated: 2018-11-12. Review status: criteria provided, single submitter. Criteria: GeneDx Variant Classification Process June 2021. Collection method: clinical testing. Allele origin: germline. Affected: yes.

Laboratory for Molecular Medicine, Mass General Brigham Personalized Medicine
Classification: Benign. Last evaluated: 2016-03-21. Review status: criteria provided, single submitter. Criteria: LMM Criteria. Collection method: clinical testing. Allele origin: germline. Observed: 1 variant allele.
Comment: p.Asn82Asn in exon 1 of SLC22A12: This variant is not expected to have clinical significance because it does not alter an amino acid residue, is not located wit hin the splice consensus sequence, and has been identified in 26.81% (2266/8452) of East Asian chromosomes by the Exome Aggregation Consortium (ExAC; dbSNP rs3825017).

Breakthrough Genomics
Classification: Benign. Review status: criteria provided, single submitter. Criteria: ACMG Guidelines, 2015. Collection method: not provided. Allele origin: germline. Inheritance: Autosomal recessive inheritance. Affected: yes.